The following is an entry in ClinVar:

NM_014634.4(PPM1F):c.1170C>T (p.Ala390=)

Gene: PPM1F (protein phosphatase, Mg2+/Mn2+ dependent 1F; minus strand). Cytogenetic location: 22q11.22.
Variant type: single nucleotide variant.
Coding change: c.1170C>T on transcript NM_014634.4 (MANE Select); coding-DNA position 1170, C replaced by T.
Protein change: p.Ala390=; no amino-acid change (alanine 390 retained).
Molecular consequence: synonymous variant.
Genome position (GRCh38, 1-based): chr22:21,923,287, G>A on the plus strand (C>T on the coding strand, the complement: PPM1F is on the minus strand). VCF-style: chr22-21923287-G-A. GRCh37 (hg19) VCF-style: chr22-22277660-G-A.
Other names: c.1170C>T (NM_014634.3); c.666C>T, p.Ala222= (NM_001410836.1).
Identifiers: ClinVar variation 4739499 (VCV004739499.2).

ClinVar aggregate classification (germline): Likely benign. Review status: criteria provided, multiple submitters, no conflicts (2 of 4 stars). 2 submissions from 2 submitters: Likely benign (2). Last evaluated 2026-01-15.

Conditions:
PPM1F-related condition.

gnomAD v4.1: 49 of 1,613,310 alleles (0.003%); highest among the groups gnomAD compares: African/African-American, 0.035%; no homozygotes.

Submissions (2):

PreventionGenetics, part of Exact Sciences
Classification: Likely benign for PPM1F-related condition. Last evaluated: 2026-01-15. Review status: criteria provided, single submitter. Criteria: ACMG Guidelines, 2015. Collection method: clinical testing. Allele origin: germline.
Comment: This variant is classified as likely benign based on ACMG/AMP sequence variant interpretation guidelines (Richards et al. 2015 PMID: 25741868, with internal and published modifications).

Labcorp Genetics (formerly Invitae), Labcorp
Classification: Likely benign. Last evaluated: 2025-11-15. Review status: criteria provided, single submitter. Criteria: Invitae Variant Classification Sherloc (09022015). Collection method: clinical testing. Allele origin: germline.